The following is an entry in ClinVar:

NM_003611.3(OFD1):c.1376A>T (p.Glu459Val)

Gene: OFD1 (OFD1 centriole and centriolar satellite protein; plus strand). Cytogenetic location: Xp22.2.
Variant type: single nucleotide variant.
Coding change: c.1376A>T on transcript NM_003611.3 (MANE Select); coding-DNA position 1376, A replaced by T.
Protein change: p.Glu459Val; replaces glutamic acid 459 with valine.
Molecular consequence: missense variant.
Genome position (GRCh38, 1-based): chrX:13,756,732, A>T. VCF-style: chrX-13756732-A-T. GRCh37 (hg19) VCF-style: chrX-13774851-A-T.
Other names: c.1256A>T, p.Glu419Val (NM_001330209.2, NM_001440948.1); c.956A>T, p.Glu319Val (NM_001330210.2); c.1376A>T, p.Glu459Val (NM_001440947.1); short protein forms E319V, E459V, E419V.
Identifiers: ClinVar variation 4788604 (VCV004788604.1).
Genomic context (GRCh38, chrX:13,756,732, plus strand): 5'-TACTAAAAGAAGAGAAACTGGAGCTTCTGGCACAAAATAAATTACTTAAACAACAACTGG[A>T]AGAGAGTAGAAATGAAAACCTGCGTCTCCTAAACCGTATGTATTTTTCTTTTCTTCTGAC-3'
Protein context (NP_003602.1, residues 449-469): AQNKLLKQQL[Glu459Val]ESRNENLRLL

ClinVar aggregate classification (germline): Uncertain significance (1 of 4 stars; one submission).

Conditions:
Joubert syndrome. Also called: Familial aplasia of the vermis; JOUBERT-BOLTSHAUSER SYNDROME; CEREBELLOPARENCHYMAL DISORDER IV. Identifiers: Orphanet 475, MedGen C5979921, MONDO:0018772.
Orofaciodigital syndrome I (OFD1). Also called: Papillon-Leage and Psaume Syndrome; OFDS I; Oral-Facial-Digital Syndrome Type I. Identifiers: Orphanet 2750, MedGen C1510460, MONDO:0010702, OMIM 311200.

Submission:

Labcorp Genetics (formerly Invitae), Labcorp
Classification: Uncertain significance for Orofaciodigital syndrome I; Joubert syndrome. Last evaluated: 2025-11-01. Review status: criteria provided, single submitter. Criteria: Invitae Variant Classification Sherloc (09022015). Collection method: clinical testing. Allele origin: germline.
Comment: This sequence change replaces glutamic acid, which is acidic and polar, with valine, which is neutral and non-polar, at codon 459 of the OFD1 protein (p.Glu459Val). This variant is present in population databases (rs777687377, gnomAD 0.03%). This variant has not been reported in the literature in individuals affected with OFD1-related conditions. Invitae Evidence Modeling of protein sequence and biophysical properties (such as structural, functional, and spatial information, amino acid conservation, physicochemical variation, residue mobility, and thermodynamic stability) indicates that this missense variant is not expected to disrupt OFD1 protein function with a negative predictive value of 80%. In summary, the available evidence is currently insufficient to determine the role of this variant in disease. Therefore, it has been classified as a Variant of Uncertain Significance.